The following is an entry in ClinVar:

ClinVar aggregate classification (germline): Benign. Review status: reviewed by expert panel (3 of 4 stars). 9 submissions from 9 submitters: Benign (1). 8 of the submissions do not count toward it. Last evaluated 2022-02-18.

Conditions:
TCF4-related disorder. Also called: TCF4-related condition.
Inborn genetic diseases. Identifiers: MedGen C0950123, MeSH D030342.
Pitt-Hopkins syndrome (PTHS). Also called: ENCEPHALOPATHY, SEVERE EPILEPTIC, WITH AUTONOMIC DYSFUNCTION; MENTAL RETARDATION, SYNDROMAL, WITH INTERMITTENT HYPERVENTILATION. Identifiers: Orphanet 2896, MedGen C1970431, MONDO:0012589, OMIM 610954.

Allele frequency attached by ClinVar (database versions not stated): gnomAD exomes 0.00032 and 0.00050; gnomAD 0.00036 and 0.00037; TOPMed 0.00036; ExAC 0.00041; ESP Exome Variant Server 0.00046.
gnomAD v4.1: 771 of 1,613,480 alleles (0.048%); highest among the groups gnomAD compares: Non-Finnish European, 0.061%; 1 homozygote.

Submissions (9):

ClinGen Rett and Angelman-like Disorders Variant Curation Expert Panel
Classification: Benign for Pitt-Hopkins syndrome. Last evaluated: 2022-02-18. Review status: reviewed by expert panel. Criteria: ClinGen RettAS ACMG Specifications V2. Collection method: curation. Allele origin: germline. Inheritance: Autosomal dominant inheritance.
Comment: The allele frequency of the p.Val168= variant in TCF4 is 0.057% in European (Non-Finnish) sub population in gnomAD, which is high enough to be classified as benign based on thresholds defined by the ClinGen Rett/Angelman-like Expert Panel for Rett/AS-like conditions (BA1). The p.Val168= variant is observed in 1 unaffected individual (Baylor Genetics internal database) (BS2_supporting). In summary, p.Val168= variant in TCF4 is classified as benign based on the ACMG/AMP criteria (BA1, BS2_supporting).

Labcorp Genetics (formerly Invitae), Labcorp
Classification: Likely benign for Pitt-Hopkins syndrome. Last evaluated: 2026-01-24. Review status: criteria provided, single submitter. Criteria: Invitae Variant Classification Sherloc (09022015). Collection method: clinical testing. Allele origin: germline. Not counted in ClinVar's aggregate classification.

Blueprint Genetics
Classification: Likely benign. Last evaluated: 2024-10-11. Review status: criteria provided, single submitter. Criteria: ACMG Guidelines, 2015. Collection method: clinical testing. Allele origin: germline. Not counted in ClinVar's aggregate classification.

CeGaT Center for Human Genetics Tuebingen
Classification: Likely benign. Last evaluated: 2024-09-01. Review status: criteria provided, single submitter. Criteria: CeGaT Center For Human Genetics Tuebingen Variant Classification Criteria Version 2. Collection method: clinical testing. Allele origin: germline. Affected: yes. Observed: 1 variant allele. Not counted in ClinVar's aggregate classification.
Comment: TCF4: BP4, BP7

Eurofins Ntd Llc (ga)
Classification: Uncertain significance. Last evaluated: 2017-04-24. Review status: criteria provided, single submitter. Criteria: EGL Classification Definitions 2015. Collection method: clinical testing. Allele origin: germline. Observed: 1 variant allele, 1 heterozygote. Not counted in ClinVar's aggregate classification.

Ambry Genetics
Classification: Likely benign for Inborn genetic diseases. Last evaluated: 2017-01-24. Review status: criteria provided, single submitter. Criteria: Ambry Variant Classification Scheme 2023. Collection method: clinical testing. Allele origin: germline. Not counted in ClinVar's aggregate classification.

Genetic Services Laboratory, University of Chicago
Classification: Likely benign. Last evaluated: 2015-11-18. Review status: criteria provided, single submitter. Criteria: ACMG Guidelines, 2015. Collection method: clinical testing. Allele origin: germline. Affected: no. Not counted in ClinVar's aggregate classification.

GeneDx
Classification: Benign. Last evaluated: 2014-02-06. Review status: criteria provided, single submitter. Criteria: GeneDx Variant Classification (06012015). Collection method: clinical testing. Allele origin: germline. Affected: yes. Not counted in ClinVar's aggregate classification.
Comment: This variant is considered likely benign or benign based on one or more of the following criteria: it is a conservative change, it occurs at a poorly conserved position in the protein, it is predicted to be benign by multiple in silico algorithms, and/or has population frequency not consistent with disease.

PreventionGenetics, part of Exact Sciences
Classification: Likely benign for TCF4-related condition. Last evaluated: 2021-11-04. Review status: no assertion criteria provided. Collection method: clinical testing. Allele origin: germline. Not counted in ClinVar's aggregate classification.
Comment: This variant is classified as likely benign based on ACMG/AMP sequence variant interpretation guidelines (Richards et al. 2015 PMID: 25741868, with internal and published modifications).

NM_001083962.2(TCF4):c.504A>G (p.Val168=)

Gene: TCF4 (transcription factor 4; minus strand). Cytogenetic location: 18q21.2.
Variant type: single nucleotide variant.
Coding change: c.504A>G on transcript NM_001083962.2 (MANE Select); coding-DNA position 504, A replaced by G.
Protein change: p.Val168=; no amino-acid change (valine 168 retained).
Molecular consequence: synonymous variant.
Genome position (GRCh38, 1-based): chr18:55,350,404, T>C on the plus strand (A>G on the coding strand, the complement: TCF4 is on the minus strand). VCF-style: chr18-55350404-T-C. GRCh37 (hg19) VCF-style: chr18-53017635-T-C.
Other names: p.V168V:GTA>GTG; NM_001083962.2(TCF4):c.504A>G; p.Val168=; c.810A>G, p.Val270= (NM_001243226.3); c.432A>G, p.Val144= (NM_001243227.2, NM_001306207.1, NM_001348217.1 and 9 more transcripts); c.504A>G, p.Val168= (NM_001243228.2, NM_001330604.3, NM_001369567.1 and 5 more transcripts); c.498A>G, p.Val166= (NM_001243230.2); c.378A>G, p.Val126= (NM_001243231.2, NM_001348211.2); and 4 more.
Identifiers: ClinVar variation 139404 (VCV000139404.41), dbSNP rs370160994, ClinGen allele CA293878.